The following is an entry in ClinVar:

NM_147196.3(TMIE):c.40G>A (p.Gly14Ser)

Gene: TMIE (transmembrane inner ear; plus strand). Cytogenetic location: 3p21.31.
Variant type: single nucleotide variant.
Coding change: c.40G>A on transcript NM_147196.3 (MANE Select); coding-DNA position 40, G replaced by A.
Protein change: p.Gly14Ser; replaces glycine 14 with serine.
Molecular consequence: missense variant. On other transcripts: intron variant (2).
Genome position (GRCh38, 1-based): chr3:46,701,527, G>A. VCF-style: chr3-46701527-G-A. GRCh37 (hg19) VCF-style: chr3-46743017-G-A.
Other names: c.-66-4263G>A (NM_001370524.1, NM_001370525.1); short protein forms G14S.
Identifiers: ClinVar variation 47963 (VCV000047963.12), dbSNP rs397517869, ClinGen allele CA142264.
Genomic context (GRCh38, chr3:46,701,527, plus strand): 5'-AAGCGGCGCGGTGGCACGAAGATGGCGGGGTGGCCGGGCGCGGGTCCCCTCTGCGTGCTG[G>A]GCGGCGCCGCACTCGGGGTGTGCCTCGCGGGGGTTGCCGGGCAGCTGGTGGAGGTGAGGC-3'
Protein context (NP_671729.2, residues 4-24): WPGAGPLCVL[Gly14Ser]GAALGVCLAG

ClinVar aggregate classification (germline): Conflicting classifications of pathogenicity. Review status: criteria provided, conflicting classifications (1 of 4 stars). 4 submissions from 4 submitters: Uncertain significance (2); Likely benign (2). Last evaluated 2025-02-07.

Conditions:
TMIE-related disorder. Also called: TMIE-related condition.
Inborn genetic diseases. Identifiers: MedGen C0950123, MeSH D030342.

Allele frequency attached by ClinVar (database versions not stated): ExAC below 0.00001; gnomAD exomes 0.00004; gnomAD 0.00059 and 0.00063; 1000 Genomes Project 0.00060; 1000 Genomes Project 30x 0.00062; TOPMed 0.00062.
gnomAD v4.1: 143 of 1,313,276 alleles (0.011%); highest among the groups gnomAD compares: African/African-American, 0.21%; no homozygotes.

Submissions (4):

PreventionGenetics, part of Exact Sciences
Classification: Likely benign for TMIE-related condition. Last evaluated: 2025-02-07. Review status: criteria provided, single submitter. Criteria: ACMG Guidelines, 2015. Collection method: clinical testing. Allele origin: germline.
Comment: This variant is classified as likely benign based on ACMG/AMP sequence variant interpretation guidelines (Richards et al. 2015 PMID: 25741868, with internal and published modifications).

Ambry Genetics
Classification: Uncertain significance for Inborn genetic diseases. Last evaluated: 2022-06-17. Review status: criteria provided, single submitter. Criteria: Ambry Variant Classification Scheme 2023. Collection method: clinical testing. Allele origin: germline.

GeneDx
Classification: Likely benign. Last evaluated: 2020-11-20. Review status: criteria provided, single submitter. Criteria: GeneDx Variant Classification Process June 2021. Collection method: clinical testing. Allele origin: germline. Affected: yes.

Laboratory for Molecular Medicine, Mass General Brigham Personalized Medicine
Classification: Uncertain significance. Last evaluated: 2013-02-07. Review status: criteria provided, single submitter. Criteria: LMM Criteria. Collection method: clinical testing. Allele origin: germline. Observed: 1 variant allele.
Comment: Variant classified as Uncertain Significance - Favor Benign. The Gly14Ser varian t in TMIE has not been reported in the literature nor previously identified by o ur laboratory. Computational analyses (biochemical amino acid properties, conser vation, AlignGVGD, PolyPhen2, and SIFT) suggest that the Gly14Ser variant may no t impact the protein, though this information is not predictive enough to rule o ut pathogenicity. In summary, the clinical significance of this variant cannot b e determined with certainty; however based upon the weak predicted impact and ab sence of any data supporting pathogenicity, we would lean towards a more likely benign role.